The following is an entry in ClinVar:

NM_004006.3(DMD):c.93+2T>C

Gene: DMD (dystrophin; minus strand). Cytogenetic location: Xp21.1.
Variant type: single nucleotide variant.
Coding change: c.93+2T>C on transcript NM_004006.3 (MANE Select); the canonical splice donor site of the intron after coding-DNA position 93, T replaced by C.
Molecular consequence: splice donor variant.
Genome position (GRCh38, 1-based): chrX:33,020,137, A>G on the plus strand (T>C on the coding strand, the complement: DMD is on the minus strand). VCF-style: chrX-33020137-A-G. GRCh37 (hg19) VCF-style: chrX-33038254-A-G.
Other names: c.69+2T>C (NM_000109.4); c.81+2T>C (NM_004009.3); c.-277+2T>C (NM_004010.3).
Identifiers: ClinVar variation 4815323 (VCV004815323.1).
Genomic context (GRCh38, chrX:33,020,137, plus strand): 5'-ATAGTCCATTTTGAAAATTTCACAACTTAGATCTTAAAAGTAAAGTAACAAACCATTCTT[A>G]CCTTAGAAAATTGTGCATTTACCCATTTTGTGAATGTTTTCTTTTGAACATCTTCTCTTT-3'

ClinVar aggregate classification (germline): Pathogenic (1 of 4 stars; one submission).

Conditions:
Becker muscular dystrophy, Cardiomyopathy, Duchenne muscular dystrophy, Dystrophin deficiency.

Submission:

Natera, Inc.
Classification: Pathogenic for Becker muscular dystrophy, Cardiomyopathy, Duchenne muscular dystrophy, Dystrophin deficiency. Last evaluated: 2024-03-11. Review status: criteria provided, single submitter. Criteria: Natera Variant Classification Schema (03/2026). Collection method: clinical testing. Allele origin: germline.
Comment: The c.93+2T>C variant in DMD is a canonical splice donor site variant predicted to affect pre-mRNA splicing, which may result in an abnormal transcript and altered protein product. This variant is expected to result in nonsense mediated decay, truncation, or a dysfunctional protein product. This variant is rare in the general population with a frequency below the threshold expected for the associated phenotype(s). Another variant at this same site results in an alteration predicted to cause a similar molecular effect has been observed in individual(s) with the associated phenotype. Given the available evidence, this variant is classified as Pathogenic.